The following is an entry in ClinVar:

ClinVar aggregate classification (germline): Uncertain significance. Review status: criteria provided, multiple submitters, no conflicts (2 of 4 stars). 2 submissions from 2 submitters: Uncertain significance (2). Last evaluated 2022-05-24.

Conditions:
Hereditary cancer-predisposing syndrome. Also called: Neoplastic Syndromes, Hereditary; Tumor predisposition; Hereditary Cancer Syndrome; Hereditary neoplastic syndrome. Identifiers: Orphanet 140162, MedGen C0027672, MeSH D009386, MONDO:0015356.
Fanconi anemia complementation group O. Also called: RAD51C-Related Fanconi Anemia. Identifiers: Orphanet 84, MedGen C3150653, MONDO:0013248, OMIM 613390.

Submissions (2):

Labcorp Genetics (formerly Invitae), Labcorp
Classification: Uncertain significance for Fanconi anemia complementation group O. Last evaluated: 2022-05-24. Review status: criteria provided, single submitter. Criteria: Invitae Variant Classification Sherloc (09022015). Collection method: clinical testing. Allele origin: germline.
Comment: This sequence change replaces glycine, which is neutral and non-polar, with glutamic acid, which is acidic and polar, at codon 149 of the RAD51C protein (p.Gly149Glu). This variant is not present in population databases (gnomAD no frequency). This variant has not been reported in the literature in individuals affected with RAD51C-related conditions. ClinVar contains an entry for this variant (Variation ID: 538761). Advanced modeling of protein sequence and biophysical properties (such as structural, functional, and spatial information, amino acid conservation, physicochemical variation, residue mobility, and thermodynamic stability) performed at Invitae indicates that this missense variant is expected to disrupt RAD51C protein function. In summary, the available evidence is currently insufficient to determine the role of this variant in disease. Therefore, it has been classified as a Variant of Uncertain Significance.

Ambry Genetics
Classification: Uncertain significance for Hereditary cancer-predisposing syndrome. Last evaluated: 2019-10-23. Review status: criteria provided, single submitter. Criteria: Ambry Variant Classification Scheme 2023. Collection method: clinical testing. Allele origin: germline.
Comment: The p.G149E variant (also known as c.446G>A), located in coding exon 3 of the RAD51C gene, results from a G to A substitution at nucleotide position 446. The glycine at codon 149 is replaced by glutamic acid, an amino acid with similar properties. This amino acid position is highly conserved in available vertebrate species. In addition, this alteration is predicted to be deleterious by in silico analysis. Since supporting evidence is limited at this time, the clinical significance of this alteration remains unclear.

NM_058216.3(RAD51C):c.446G>A (p.Gly149Glu)

Gene: RAD51C (RAD51 paralog C; plus strand). Cytogenetic location: 17q22.
Variant type: single nucleotide variant.
Coding change: c.446G>A on transcript NM_058216.3 (MANE Select); coding-DNA position 446, G replaced by A.
Protein change: p.Gly149Glu; replaces glycine 149 with glutamic acid.
Molecular consequence: missense variant.
Genome position (GRCh38, 1-based): chr17:58,696,734, G>A. VCF-style: chr17-58696734-G-A. GRCh37 (hg19) VCF-style: chr17-56774095-G-A.
Other names: short protein forms G149E.
Identifiers: ClinVar variation 538761 (VCV000538761.13), dbSNP rs1555594622, ClinGen allele CA400344371.